The following is an entry in ClinVar:

NM_001277115.2(DNAH11):c.3852G>A (p.Lys1284=)

Gene: DNAH11 (dynein axonemal heavy chain 11; plus strand). Cytogenetic location: 7p15.3.
Variant type: single nucleotide variant.
Coding change: c.3852G>A on transcript NM_001277115.2 (MANE Select); coding-DNA position 3852, G replaced by A.
Protein change: p.Lys1284=; no amino-acid change (lysine 1284 retained).
Molecular consequence: synonymous variant.
Genome position (GRCh38, 1-based): chr7:21,606,733, G>A. VCF-style: chr7-21606733-G-A. GRCh37 (hg19) VCF-style: chr7-21646351-G-A.
Identifiers: ClinVar variation 570328 (VCV000570328.8), dbSNP rs764336866, ClinGen allele CA4179778.
Genomic context (GRCh38, chr7:21,606,733, plus strand): 5'-ATTCAGACACTATGCCCCTCTTGGATTTAATGCAGAAAATCCATACACAGCGCTTGATAA[G>A]GTAATACAGATCTCAAATATCCTGTGTGCATTAAAATAGCTACTTTAAAAAATGTAAGTT-3'
Protein context (NP_001264044.1, residues 1274-1294): NAENPYTALD[Lys1284=]ANEELEALEE

ClinVar aggregate classification (germline): Uncertain significance. Review status: criteria provided, multiple submitters, no conflicts (2 of 4 stars). 2 submissions from 2 submitters: Uncertain significance (2). Last evaluated 2025-03-11.

Conditions:
Primary ciliary dyskinesia. Also called: Ciliary dyskinesia. Identifiers: Orphanet 244, MedGen C0008780, MONDO:0016575, HP:0012265.
Primary ciliary dyskinesia 7. Also called: CILIARY DYSKINESIA, PRIMARY, 7, WITH OR WITHOUT SITUS INVERSUS. Identifiers: Orphanet 244, MedGen C2678473, MONDO:0012748, OMIM 611884.

Allele frequency attached by ClinVar (database versions not stated): gnomAD 0.00001; gnomAD exomes 0.00002; ExAC 0.00005.

Submissions (2):

Clinical Genetics Laboratory, Skane University Hospital Lund
Classification: Uncertain significance for Primary ciliary dyskinesia 7. Last evaluated: 2025-03-11. Review status: criteria provided, single submitter. Criteria: ACMG Guidelines, 2015. Collection method: clinical testing. Allele origin: germline. Inheritance: Autosomal recessive inheritance. Affected: yes.
Comment: ACMG criteria used: PM2, PM3_supporting, PP3, PP4.

Labcorp Genetics (formerly Invitae), Labcorp
Classification: Uncertain significance for Primary ciliary dyskinesia. Last evaluated: 2025-02-15. Review status: criteria provided, single submitter. Criteria: Invitae Variant Classification Sherloc (09022015). Collection method: clinical testing. Allele origin: germline.
Comment: This sequence change affects codon 1284 of the DNAH11 mRNA. It is a 'silent' change, meaning that it does not change the encoded amino acid sequence of the DNAH11 protein. This variant also falls at the last nucleotide of exon 20, which is part of the consensus splice site for this exon. This variant is present in population databases (rs764336866, gnomAD 0.006%). This variant has not been reported in the literature in individuals affected with DNAH11-related conditions. ClinVar contains an entry for this variant (Variation ID: 570328). Variants that disrupt the consensus splice site are a relatively common cause of aberrant splicing (PMID: 17576681, 9536098). Algorithms developed to predict the effect of sequence changes on RNA splicing suggest that this variant may disrupt the consensus splice site. In summary, the available evidence is currently insufficient to determine the role of this variant in disease. Therefore, it has been classified as a Variant of Uncertain Significance.

Literature cited by the submitters: PubMed 17576681 (cited by Labcorp Genetics (formerly Invitae), Labcorp); PubMed 9536098 (cited by Labcorp Genetics (formerly Invitae), Labcorp).